The following is an entry in ClinVar:

ClinVar aggregate classification (germline): Uncertain significance (1 of 4 stars; one submission).

Conditions:
Neurodevelopmental disorder with hypotonia and brain abnormalities. Identifiers: MedGen C5561977, MONDO:0859187, OMIM 619512.

Submission:

3billion
Classification: Uncertain significance for Neurodevelopmental disorder with hypotonia and brain abnormalities. Last evaluated: 2025-05-30. Review status: criteria provided, single submitter. Criteria: ACMG Guidelines, 2015. Collection method: clinical testing. Allele origin: germline. Affected: yes.
Comment: The variant is not observed in the gnomAD v4.1.0 dataset. Predicted Consequence/Location: Missense variant. Missense changes are a common disease-causing mechanism. In silico tool predictions suggest damaging effect of the variant on gene or gene product [REVEL: 0.94 (>=0.6, sensitivity 0.68 and specificity 0.92); 3Cnet: 0.98 (> 0.75, sensitivity 0.96 and precision 0.92)]. Therefore, this variant is classified as VUS according to the recommendation of ACMG/AMP guideline.

NM_001829.4(CLCN3):c.974C>T (p.Ala325Val)

Gene: CLCN3 (Cl-/H+ antiporter 3; plus strand). Cytogenetic location: 4q33.
Variant type: single nucleotide variant.
Coding change: c.974C>T on transcript NM_001829.4 (MANE Select); coding-DNA position 974, C replaced by T.
Protein change: p.Ala325Val; replaces alanine 325 with valine.
Molecular consequence: missense variant. On other transcripts: intron variant (1).
Genome position (GRCh38, 1-based): chr4:169,695,649, C>T. VCF-style: chr4-169695649-C-T. GRCh37 (hg19) VCF-style: chr4-170616800-C-T.
Other names: c.893C>T, p.Ala298Val (NM_001243374.2); c.974C>T, p.Ala325Val (NM_173872.4); c.937-1540C>T (NM_001243372.2); short protein forms A298V, A325V.
Identifiers: ClinVar variation 4855545 (VCV004855545.1).